The following is an entry in ClinVar:

ClinVar aggregate classification (germline): Uncertain significance. Review status: criteria provided, multiple submitters, no conflicts (2 of 4 stars). 2 submissions from 2 submitters: Uncertain significance (2). Last evaluated 2026-05-17.

Conditions:
OTOG-related disorder. Also called: OTOG-related condition.

gnomAD v4.1: 29 of 1,550,280 alleles (0.0019%); highest among the groups gnomAD compares: East Asian, 0.032%; no homozygotes.

Submissions (2):

PreventionGenetics, part of Exact Sciences
Classification: Uncertain significance for OTOG-related condition. Last evaluated: 2026-05-17. Review status: criteria provided, single submitter. Criteria: ACMG Guidelines, 2015. Collection method: clinical testing. Allele origin: germline.
Comment: The OTOG c.3966C>A variant is predicted to result in the amino acid substitution p.His1322Gln. To our knowledge, this variant has not been reported in the literature. This variant is reported in 0.097% of alleles in individuals of East Asian descent in gnomAD. Although we suspect that this variant may be benign, at this time, the clinical significance of this variant is uncertain due to the absence of conclusive functional and genetic evidence.

Blueprint Genetics
Classification: Uncertain significance. Last evaluated: 2024-04-08. Review status: criteria provided, single submitter. Criteria: ACMG Guidelines, 2015. Collection method: clinical testing. Allele origin: germline.

NM_001292063.2(OTOG):c.3930C>A (p.His1310Gln)

Gene: OTOG (otogelin; plus strand). Cytogenetic location: 11p15.1.
Variant type: single nucleotide variant.
Coding change: c.3930C>A on transcript NM_001292063.2 (MANE Select); coding-DNA position 3930, C replaced by A.
Protein change: p.His1310Gln; replaces histidine 1310 with glutamine.
Molecular consequence: missense variant.
Genome position (GRCh38, 1-based): chr11:17,605,909, C>A. VCF-style: chr11-17605909-C-A. GRCh37 (hg19) VCF-style: chr11-17627456-C-A.
Other names: c.3966C>A, p.His1322Gln (NM_001277269.2); c.3966C>A (NM_001277269.1); short protein forms H1310Q, H1322Q.
Identifiers: ClinVar variation 4910902 (VCV004910902.2).